The following is an entry in ClinVar:

NM_001267550.2(TTN):c.36949G>T (p.Ala12317Ser)

Gene: TTN (titin; minus strand). Cytogenetic location: 2q31.2.
Variant type: single nucleotide variant.
Coding change: c.36949G>T on transcript NM_001267550.2 (MANE Select); coding-DNA position 36949, G replaced by T.
Protein change: p.Ala12317Ser; replaces alanine 12317 with serine.
Molecular consequence: missense variant. On other transcripts: intron variant (5).
Genome position (GRCh38, 1-based): chr2:178,662,542, C>A on the plus strand (G>T on the coding strand, the complement: TTN is on the minus strand). VCF-style: chr2-178662542-C-A. GRCh37 (hg19) VCF-style: chr2-179527269-C-A.
Other names: c.13283-20225G>T (NM_003319.4); c.13859-20225G>T (NM_133437.4); c.13658-20225G>T (NM_133432.3); c.31573+424G>T (NM_133378.4); c.34354+424G>T (NM_001256850.1); short protein forms A12317S.
Identifiers: ClinVar variation 4981690 (VCV004981690.1).

ClinVar aggregate classification (germline): Uncertain significance (1 of 4 stars; one submission).

Conditions:
TTN-related disorder. Also called: TTN-related disorders; TTN-related condition; TTN-related disease.

Submission:

PreventionGenetics, part of Exact Sciences
Classification: Uncertain significance for TTN-related condition. Last evaluated: 2025-10-14. Review status: criteria provided, single submitter. Criteria: ACMG Guidelines, 2015. Collection method: clinical testing. Allele origin: germline.
Comment: The TTN c.36949G>T variant is predicted to result in the amino acid substitution p.Ala12317Ser. To our knowledge, this variant has not been reported in the literature or in a large population database (gnomAD), indicating this variant is rare. At this time, the clinical significance of this variant is uncertain due to the absence of conclusive functional and genetic evidence.